The following is an entry in ClinVar:

NM_031935.3(HMCN1):c.6304+13A>G

Gene: HMCN1 (hemicentin 1; plus strand). Cytogenetic location: 1q31.1.
Variant type: single nucleotide variant.
Coding change: c.6304+13A>G on transcript NM_031935.3 (MANE Select); 13 bases into the intron after coding-DNA position 6304, A replaced by G.
Molecular consequence: intron variant.
Genome position (GRCh38, 1-based): chr1:186,041,149, A>G. VCF-style: chr1-186041149-A-G. GRCh37 (hg19) VCF-style: chr1-186010281-A-G.
Identifiers: ClinVar variation 2102013 (VCV002102013.4), dbSNP rs2527649019, ClinGen allele CA2580061723.

ClinVar aggregate classification (germline): Uncertain significance (1 of 4 stars; one submission).

Submission:

Labcorp Genetics (formerly Invitae), Labcorp
Classification: Uncertain significance. Last evaluated: 2022-06-05. Review status: criteria provided, single submitter. Criteria: Invitae Variant Classification Sherloc (09022015). Collection method: clinical testing. Allele origin: germline.
Comment: In summary, the available evidence is currently insufficient to determine the role of this variant in disease. Therefore, it has been classified as a Variant of Uncertain Significance. Algorithms developed to predict the effect of sequence changes on RNA splicing suggest that this variant may create or strengthen a splice site. This sequence change falls in intron 40 of the HMCN1 gene. It does not directly change the encoded amino acid sequence of the HMCN1 protein. This variant is not present in population databases (gnomAD no frequency). This variant has not been reported in the literature in individuals affected with HMCN1-related conditions.